The following is an entry in ClinVar:

NM_001018115.3(FANCD2):c.1024T>C (p.Cys342Arg)

Genes: FANCD2 (FA complementation group D2; plus strand), LOC107303338 (3p25 FANCD2 Alu-mediated recombination region; plus strand). Cytogenetic location: 3p25.3.
Variant type: single nucleotide variant.
Coding change: c.1024T>C on transcript NM_001018115.3 (MANE Select); coding-DNA position 1024, T replaced by C.
Protein change: p.Cys342Arg; replaces cysteine 342 with arginine.
Molecular consequence: missense variant.
Genome position (GRCh38, 1-based): chr3:10,043,518, T>C. VCF-style: chr3-10043518-T-C. GRCh37 (hg19) VCF-style: chr3-10085202-T-C.
Other names: c.1024T>C, p.Cys342Arg (NM_001319984.2, NM_001374253.1, NM_001374254.1 and 1 more transcripts); short protein forms C342R.
Identifiers: ClinVar variation 2635646 (VCV002635646.2), dbSNP rs771387451, ClinGen allele CA2249467.

ClinVar aggregate classification (germline): Uncertain significance. Review status: criteria provided, multiple submitters, no conflicts (2 of 4 stars). 2 submissions from 2 submitters: Uncertain significance (2). Last evaluated 2024-10-23.

Conditions:
Fanconi anemia (FA). Also called: Fanconi's anemia. Identifiers: Orphanet 84, MedGen C0015625, MeSH D005199, MONDO:0019391.
FANCD2-related disorder. Also called: FANCD2-related condition.

Allele frequency attached by ClinVar (database versions not stated): ExAC 0.00001; gnomAD 0.00001; gnomAD exomes 0.00001; TOPMed 0.00003.
gnomAD v4.1: 22 of 1,613,784 alleles (0.0014%); highest among the groups gnomAD compares: Admixed American, 0.005%; no homozygotes.

Submissions (2):

Labcorp Genetics (formerly Invitae), Labcorp
Classification: Uncertain significance for Fanconi anemia. Last evaluated: 2024-10-23. Review status: criteria provided, single submitter. Criteria: Invitae Variant Classification Sherloc (09022015). Collection method: clinical testing. Allele origin: germline.
Comment: This sequence change replaces cysteine, which is neutral and slightly polar, with arginine, which is basic and polar, at codon 342 of the FANCD2 protein (p.Cys342Arg). This variant is present in population databases (rs771387451, gnomAD 0.009%). This variant has not been reported in the literature in individuals affected with FANCD2-related conditions. ClinVar contains an entry for this variant (Variation ID: 2635646). Invitae Evidence Modeling of protein sequence and biophysical properties (such as structural, functional, and spatial information, amino acid conservation, physicochemical variation, residue mobility, and thermodynamic stability) indicates that this missense variant is expected to disrupt FANCD2 protein function with a positive predictive value of 80%. In summary, the available evidence is currently insufficient to determine the role of this variant in disease. Therefore, it has been classified as a Variant of Uncertain Significance.

PreventionGenetics, part of Exact Sciences
Classification: Uncertain significance for FANCD2-related condition. Last evaluated: 2023-08-10. Review status: criteria provided, single submitter. Criteria: ACMG Guidelines, 2015. Collection method: clinical testing. Allele origin: germline.
Comment: The FANCD2 c.1024T>C variant is predicted to result in the amino acid substitution p.Cys342Arg. To our knowledge, this variant has not been reported in the literature. This variant is reported in 0.0085% of alleles in individuals of Latino descent in gnomAD. At this time, the clinical significance of this variant is uncertain due to the absence of conclusive functional and genetic evidence.